The following is an entry in ClinVar:

NM_000141.5(FGFR2):c.23T>G (p.Ile8Ser)

Gene: FGFR2 (fibroblast growth factor receptor 2; minus strand). Cytogenetic location: 10q26.13.
Variant type: single nucleotide variant.
Coding change: c.23T>G on transcript NM_000141.5 (MANE Select); coding-DNA position 23, T replaced by G.
Protein change: p.Ile8Ser; replaces isoleucine 8 with serine.
Molecular consequence: missense variant. On other transcripts: non-coding transcript variant (1).
Genome position (GRCh38, 1-based): chr10:121,593,795, A>C on the plus strand (T>G on the coding strand, the complement: FGFR2 is on the minus strand). VCF-style: chr10-121593795-A-C. GRCh37 (hg19) VCF-style: chr10-123353309-A-C.
Other names: c.23T>G, p.Ile8Ser (NM_001144913.1, NM_001144914.1, NM_001144915.2 and 7 more transcripts); short protein forms I8S.
Identifiers: ClinVar variation 134388 (VCV000134388.34), dbSNP rs147307031, ClinGen allele CA159667.

ClinVar aggregate classification (germline): Conflicting classifications of pathogenicity. Review status: criteria provided, conflicting classifications (1 of 4 stars). 12 submissions from 8 submitters: Uncertain significance (1); Benign (7); Likely benign (2). 2 of the submissions do not count toward it. Last evaluated 2026-02-01.

Conditions:
FGFR2-related disorder. Identifiers: MedGen CN380096.
FGFR2-related craniosynostosis. Identifiers: MedGen CN231480.
Craniosynostosis syndrome. Also called: Craniosynostosis. Identifiers: Orphanet 1531, MedGen C0010278, MeSH D003398, MONDO:0015469, HP:0001363.
Isolated Coronal Synostosis. Identifiers: MedGen CN043619.
Beare-Stevenson cutis gyrata syndrome (BSTVS). Identifiers: Orphanet 1555, MedGen C1852406, MONDO:0007412, OMIM 123790.
Crouzon syndrome. Also called: Craniofacial dysostosis type 1; CRANIOFACIAL DYSOSTOSIS, TYPE I; Craniofacial dysostosis; Crouzon craniofacial dysostosis; Crouzon disease. Identifiers: Orphanet 207, MedGen C0010273, MeSH D003394, MONDO:0007405, OMIM 123500, HP:0004439.
Saethre-Chotzen syndrome (SCS). Also called: ACROCEPHALY, SKULL ASYMMETRY, AND MILD SYNDACTYLY; ACS III; CHOTZEN SYNDROME. Identifiers: Orphanet 794, MedGen C0175699, MONDO:0007042, OMIM 101400.

Allele frequency attached by ClinVar (database versions not stated): gnomAD exomes 0.00010 and 0.00020; ExAC 0.00023; ESP Exome Variant Server 0.00092; 1000 Genomes Project 30x 0.00094; gnomAD 0.00101 and 0.00107; TOPMed 0.00110; 1000 Genomes Project 0.00120.
gnomAD v4.1: 292 of 1,614,216 alleles (0.018%); highest among the groups gnomAD compares: African/African-American, 0.36%; 2 homozygotes.

Submissions (12):

Labcorp Genetics (formerly Invitae), Labcorp
Classification: Benign for FGFR2-related craniosynostosis. Last evaluated: 2026-02-01. Review status: criteria provided, single submitter. Criteria: Invitae Variant Classification Sherloc (09022015). Collection method: clinical testing. Allele origin: germline.

CeGaT Center for Human Genetics Tuebingen
Classification: Likely benign. Last evaluated: 2026-01-01. Review status: criteria provided, single submitter. Criteria: CeGaT Center For Human Genetics Tuebingen Variant Classification Criteria Version 2. Collection method: clinical testing. Allele origin: germline. Affected: yes. Observed: 1 variant allele.
Comment: FGFR2: BP4, BS1

GeneDx
Classification: Benign. Last evaluated: 2020-02-24. Review status: criteria provided, single submitter. Criteria: GeneDx Variant Classification Process June 2021. Collection method: clinical testing. Allele origin: germline. Affected: yes.
Comment: This variant is associated with the following publications: (PMID: 25425289)

ARUP Laboratories, Molecular Genetics and Genomics, ARUP Laboratories
Classification: Likely benign. Last evaluated: 2018-03-25. Review status: criteria provided, single submitter. Criteria: ARUP Molecular Germline Variant Investigation Process. Collection method: clinical testing. Allele origin: germline.
Comment: The c.23T>G; p.Ile8Ser variant (rs147307031) has been reported in a patient with craniosynostosis; however, this patient also harbored another pathogenic variant, and the authors classified the p.Ile8Ser variant as â€œnot pathogenicâ€ (Goos 2015). This variant was also detected in a cohort of healthy individuals (Bodian 2014), is listed in the genome Aggregation Database (gnomAD) with an African population frequency of 0.3% (identified on 63 out of 24,026 chromosomes, including one homozygote) and is classified as benign in ClinVar (variant ID: 134388). The isoleucine at position 8 is weakly conserved, considering 12 species, and computational analyses of the effects of the p.Ile8Ser variant on protein structure and function make conflicting predictions (SIFT: damaging, PolyPhen-2: benign ). Based on the available information, the p.Ile8Ser variant is likely to be benign.

Illumina Laboratory Services, Illumina
Classification: Uncertain significance for Isolated coronal synostosis. Last evaluated: 2018-01-13. Review status: criteria provided, single submitter. Criteria: ICSL Variant Classification Criteria 13 December 2019. Collection method: clinical testing. Allele origin: germline.

Illumina Laboratory Services, Illumina
Classification: Benign for Saethre-Chotzen syndrome. Last evaluated: 2018-01-13. Review status: criteria provided, single submitter. Criteria: ICSL Variant Classification Criteria 13 December 2019. Collection method: clinical testing. Allele origin: germline.
Comment: This variant was observed in the ICSL laboratory as part of a predisposition screen in an ostensibly healthy population. It had not been previously curated by ICSL or reported in the Human Gene Mutation Database (HGMD: prior to June 1st, 2018), and was therefore a candidate for classification through an automated scoring system. Utilizing variant allele frequency, disease prevalence and penetrance estimates, and inheritance mode, an automated score was calculated to assess if this variant is too frequent to cause the disease. Based on the score and internal cut-off values, a variant classified as benign is not then subjected to further curation. The score for this variant resulted in a classification of benign for this disease.

Illumina Laboratory Services, Illumina
Classification: Benign for Craniosynostosis. Last evaluated: 2018-01-13. Review status: criteria provided, single submitter. Criteria: ICSL Variant Classification Criteria 13 December 2019. Collection method: clinical testing. Allele origin: germline.
Comment: the same text as in the submission from Illumina Laboratory Services, Illumina above.

Illumina Laboratory Services, Illumina
Classification: Benign for Beare-Stevenson cutis gyrata syndrome. Last evaluated: 2018-01-13. Review status: criteria provided, single submitter. Criteria: ICSL Variant Classification Criteria 13 December 2019. Collection method: clinical testing. Allele origin: germline.
Comment: the same text as in the submission from Illumina Laboratory Services, Illumina above.

Illumina Laboratory Services, Illumina
Classification: Benign for Crouzon syndrome. Last evaluated: 2018-01-13. Review status: criteria provided, single submitter. Criteria: ICSL Variant Classification Criteria 13 December 2019. Collection method: clinical testing. Allele origin: germline.
Comment: the same text as in the submission from Illumina Laboratory Services, Illumina above.

Eurofins Ntd Llc (ga)
Classification: Benign. Last evaluated: 2015-07-01. Review status: criteria provided, single submitter. Criteria: EGL Classification Definitions 2015. Collection method: clinical testing. Allele origin: germline. Observed: 1 variant allele, 1 heterozygote.

PreventionGenetics, part of Exact Sciences
Classification: Likely benign for FGFR2-related condition. Last evaluated: 2019-10-16. Review status: no assertion criteria provided. Collection method: clinical testing. Allele origin: germline. Not counted in ClinVar's aggregate classification.
Comment: This variant is classified as likely benign based on ACMG/AMP sequence variant interpretation guidelines (Richards et al. 2015 PMID: 25741868, with internal and published modifications).

ITMI
No classification provided. Condition: AllHighlyPenetrant. Last evaluated: 2013-09-19. Review status: no classification provided. Collection method: reference population. Allele origin: germline. Not counted in ClinVar's aggregate classification.
Comment: Please see associated publication for description of ethnicities

Literature cited by the submitters: PubMed 24728327 (cited by Eurofins Ntd Llc (ga) and ITMI); PubMed 25425289 (cited by Eurofins Ntd Llc (ga)).